The following is an entry in ClinVar:

ClinVar aggregate classification (germline): Pathogenic (1 of 4 stars; one submission).

Submission:

Quest Diagnostics Nichols Institute San Juan Capistrano
Classification: Pathogenic. Last evaluated: 2025-05-30. Review status: criteria provided, single submitter. Criteria: ACMG/ClinGen CNV Guidelines, 2019. Collection method: clinical testing. Allele origin: unknown.
Comment: This deletion involves at least 47 protein-coding genes. Haploinsufficiency of NUS1 is associated with autosomal dominant intellectual developmental disorder-55 with seizures (OMIM 617831, CCID:007585). Larger heterozygous deletions involving NUS1 have been reported in affected individuals (Ali 2020, Bonini 2023, Canafoglia 2023, Haginoya 2020, Landais 2025, Machida 2022, Rosenfeld 2012, Szafranski 2015, Williams 2024).There are no similar copy number losses of this region in the general populations of the Database of Genomic Variants. Therefore, based on gene content and current medical literature, this copy number variant (CNV) is classified as pathogenic. References: Ali et al., Biochem Genet. 2020 Feb;58(1):74-101. PMID: 31273557 Bonini et al., Clin Genet. 2023 Aug;104(2):210-225. PMID: 37334874 Canafoglia et al., Eur J Paediatr Neurol. 2023 May:44:25-27. PMID: 36990055 Haginoya et al., Epilepsy Behav Rep. 2020 Nov 16:15:100405. PMID: 33437959 Landais et al., Seizure. 2025 Jan:124:1-8. PMID: 39603047 Machida et al., Intractable Rare Dis Res. 2022 Aug;11(3):143-148. PMID: 36200032 Rosenfeld et al., Neurogenetics. 2012 Feb;13(1):31-47. PMID: 22218741 Szafranski et al., Eur J Hum Genet. 2015 Feb;23(2):173-9. PMID: 24824130 Williams et al., Mov Disord Clin Pract. 2024 Jan;11(1):76-85. PMID: 38291835

GRCh37/hg19 6q22.1-22.33(chr6:114742335-127346798)x1

Genes: ASF1A (anti-silencing function 1A histone chaperone; plus strand), CALHM4 (calcium homeostasis modulator family member 4; plus strand), CALHM5 (calcium homeostasis modulator family member 5; plus strand), CALHM6 (calcium homeostasis modulator family member 6; plus strand), CENPW (centromere protein W; plus strand) and 43 more. Cytogenetic location: 6q22.1-22.33.
Variant type: copy number loss.
Change: copy number 1 (one copy instead of two) of chr6:114,742,335-127,346,798 (12.60 Mb, GRCh37 coordinates, 1-based), cytogenetic band 6q22.1-22.33.
Identifiers: ClinVar variation 4682663 (VCV004682663.1).